The following is an entry in ClinVar:

ClinVar aggregate classification (germline): Benign/Likely benign. Review status: criteria provided, multiple submitters, no conflicts (2 of 4 stars). 5 submissions from 5 submitters: Benign (2); Likely benign (2). 1 of the submissions does not count toward it. Last evaluated 2025-11-01.

Conditions:
SPEN-related disorder. Also called: SPEN-related condition.

Allele frequency attached by ClinVar (database versions not stated): 1000 Genomes Project 0.00060; 1000 Genomes Project 30x 0.00062; gnomAD 0.00087 and 0.00095; TOPMed 0.00088; gnomAD exomes 0.00109 and 0.00141; ESP Exome Variant Server 0.00115; ExAC 0.00134.
gnomAD v4.1: 1,780 of 1,613,756 alleles (0.11%); highest among the groups gnomAD compares: Middle Eastern, 0.71%; 8 homozygotes.

Submissions (5):

CeGaT Center for Human Genetics Tuebingen
Classification: Likely benign. Last evaluated: 2025-11-01. Review status: criteria provided, single submitter. Criteria: CeGaT Center For Human Genetics Tuebingen Variant Classification Criteria Version 2. Collection method: clinical testing. Allele origin: germline. Affected: yes. Observed: 8 variant alleles.
Comment: SPEN: BP4, BP7

Blueprint Genetics
Classification: Likely benign. Last evaluated: 2024-11-07. Review status: criteria provided, single submitter. Criteria: ACMG Guidelines, 2015. Collection method: clinical testing. Allele origin: germline.

Labcorp Genetics (formerly Invitae), Labcorp
Classification: Benign. Last evaluated: 2019-12-31. Review status: criteria provided, single submitter. Criteria: Invitae Variant Classification Sherloc (09022015). Collection method: clinical testing. Allele origin: germline.

Breakthrough Genomics
Classification: Benign. Review status: criteria provided, single submitter. Criteria: ACMG Guidelines, 2015. Collection method: not provided. Allele origin: germline. Inheritance: Autosomal dominant inheritance. Affected: yes.

PreventionGenetics, part of Exact Sciences
Classification: Likely benign for SPEN-related condition. Last evaluated: 2019-02-20. Review status: no assertion criteria provided. Collection method: clinical testing. Allele origin: germline. Not counted in ClinVar's aggregate classification.
Comment: This variant is classified as likely benign based on ACMG/AMP sequence variant interpretation guidelines (Richards et al. 2015 PMID: 25741868, with internal and published modifications).

NM_015001.3(SPEN):c.10656G>A (p.Arg3552=)

Gene: SPEN (spen family transcriptional repressor; plus strand). Cytogenetic location: 1p36.13.
Variant type: single nucleotide variant.
Coding change: c.10656G>A on transcript NM_015001.3 (MANE Select); coding-DNA position 10656, G replaced by A.
Protein change: p.Arg3552=; no amino-acid change (arginine 3552 retained).
Molecular consequence: synonymous variant.
Genome position (GRCh38, 1-based): chr1:15,937,958, G>A. VCF-style: chr1-15937958-G-A. GRCh37 (hg19) VCF-style: chr1-16264453-G-A.
Identifiers: ClinVar variation 717467 (VCV000717467.30), dbSNP rs145784462, ClinGen allele CA620791.